The following is an entry in ClinVar:

ClinVar aggregate classification (germline): Uncertain significance (1 of 4 stars; one submission).

Conditions:
Heterotopia, periventricular, X-linked dominant (PVNH1). Also called: PERIVENTRICULAR NODULAR HETEROTOPIA 1; X-linked periventricular heterotopia; PERIVENTRICULAR NODULAR HETEROTOPIA 4; HETEROTOPIA, PERIVENTRICULAR, 1. Identifiers: Orphanet 2149, Orphanet 82004, MedGen C1848213, MONDO:0010233, OMIM 300049.
Melnick-Needles syndrome (MNS). Also called: MELNICK-NEEDLES OSTEODYSPLASTY; OSTEODYSPLASTY OF MELNICK AND NEEDLES; Melnick-Needles Syndrome (FLNA-MNS). Identifiers: Orphanet 2484, MedGen C0025237, MONDO:0010650, OMIM 309350.
Frontometaphyseal dysplasia (FMD1). Identifiers: Orphanet 1826, MedGen C0265293, MONDO:0015942.
Oto-palato-digital syndrome, type II (OPD2). Also called: FACIOPALATOOSSEOUS SYNDROME; OPD II SYNDROME; Otopalatodigital Syndrome Type 2 (FLNA-OPD2); Otopalatodigital Syndrome, Type II. Identifiers: Orphanet 669, Orphanet 90652, MedGen C1844696, MONDO:0010571, OMIM 304120.

Submission:

Labcorp Genetics (formerly Invitae), Labcorp
Classification: Uncertain significance for Oto-palato-digital syndrome, type II; Heterotopia, periventricular, X-linked dominant; Frontometaphyseal dysplasia; Melnick-Needles syndrome. Last evaluated: 2025-10-29. Review status: criteria provided, single submitter. Criteria: Invitae Variant Classification Sherloc (09022015). Collection method: clinical testing. Allele origin: germline.
Comment: This sequence change replaces proline, which is neutral and non-polar, with serine, which is neutral and polar, at codon 369 of the FLNA protein (p.Pro369Ser). This variant is not present in population databases (gnomAD no frequency). This variant has not been reported in the literature in individuals affected with FLNA-related conditions. Invitae Evidence Modeling of protein sequence and biophysical properties (such as structural, functional, and spatial information, amino acid conservation, physicochemical variation, residue mobility, and thermodynamic stability) has been performed for this missense variant. However, the output from this modeling did not meet the statistical confidence thresholds required to predict the impact of this variant on FLNA protein function. In summary, the available evidence is currently insufficient to determine the role of this variant in disease. Therefore, it has been classified as a Variant of Uncertain Significance.

NM_001110556.2(FLNA):c.1105C>T (p.Pro369Ser)

Gene: FLNA (filamin A; minus strand). Cytogenetic location: Xq28.
Variant type: single nucleotide variant.
Coding change: c.1105C>T on transcript NM_001110556.2 (MANE Select); coding-DNA position 1105, C replaced by T.
Protein change: p.Pro369Ser; replaces proline 369 with serine.
Molecular consequence: missense variant.
Genome position (GRCh38, 1-based): chrX:154,366,431, G>A on the plus strand (C>T on the coding strand, the complement: FLNA is on the minus strand). VCF-style: chrX-154366431-G-A. GRCh37 (hg19) VCF-style: chrX-153594799-G-A.
Other names: c.1105C>T, p.Pro369Ser (NM_001456.4); short protein forms P369S.
Identifiers: ClinVar variation 4792037 (VCV004792037.1).